The following is an entry in ClinVar:

NM_001378457.1(DMXL2):c.2443A>T (p.Ile815Phe)

Gene: DMXL2 (Dmx like 2; minus strand). Cytogenetic location: 15q21.2.
Variant type: single nucleotide variant.
Coding change: c.2443A>T on transcript NM_001378457.1 (MANE Select); coding-DNA position 2443, A replaced by T.
Protein change: p.Ile815Phe; replaces isoleucine 815 with phenylalanine.
Molecular consequence: missense variant. On other transcripts: non-coding transcript variant (2).
Genome position (GRCh38, 1-based): chr15:51,517,161, T>A on the plus strand (A>T on the coding strand, the complement: DMXL2 is on the minus strand). VCF-style: chr15-51517161-T-A. GRCh37 (hg19) VCF-style: chr15-51809358-T-A.
Other names: c.2443A>T, p.Ile815Phe (NM_001174116.3, NM_001174117.3, NM_001378458.1 and 6 more transcripts); c.2203A>T, p.Ile735Phe (NM_001378464.1); short protein forms I735F, I815F.
Identifiers: ClinVar variation 3389667 (VCV003389667.14).

ClinVar aggregate classification (germline): Uncertain significance (1 of 4 stars; one submission).

Submission:

CeGaT Center for Human Genetics Tuebingen
Classification: Uncertain significance. Last evaluated: 2024-09-01. Review status: criteria provided, single submitter. Criteria: CeGaT Center For Human Genetics Tuebingen Variant Classification Criteria Version 2. Collection method: clinical testing. Allele origin: germline. Affected: yes. Observed: 1 variant allele.
Comment: DMXL2: PM2